The following is an entry in ClinVar:

NM_001374675.1(HSF4):c.627-2A>G

Gene: HSF4 (heat shock transcription factor 4; plus strand). Cytogenetic location: 16q22.1.
Variant type: single nucleotide variant.
Coding change: c.627-2A>G on transcript NM_001374675.1 (MANE Select); the canonical splice acceptor site of the intron before coding-DNA position 627, A replaced by G.
Molecular consequence: splice acceptor variant.
Genome position (GRCh38, 1-based): chr16:67,167,118, A>G. VCF-style: chr16-67167118-A-G. GRCh37 (hg19) VCF-style: chr16-67201021-A-G.
Other names: c.627-2A>G (NM_001538.4, NM_001040667.3, NM_001374674.1).
Identifiers: ClinVar variation 2431622 (VCV002431622.1), dbSNP rs2507018497, ClinGen allele CA396269265.

ClinVar aggregate classification (germline): Pathogenic (1 of 4 stars; one submission).

Conditions:
Cataract 5 multiple types (CTRCT5). Also called: CATARACT, MARNER TYPE; CATARACT 5, LAMELLAR; Lamellar cataract. Identifiers: Orphanet 91492, MedGen C0266537, MONDO:0007290, OMIM 116800, HP:0007971.

Submission:

Laboratorio de Genetica e Diagnostico Molecular, Hospital Israelita Albert Einstein
Classification: Pathogenic for Cataract 5 multiple types. Last evaluated: 2022-06-22. Review status: criteria provided, single submitter. Criteria: ACMG Guidelines, 2015. Collection method: clinical testing. Allele origin: germline. Affected: yes. Observed: 1 variant allele.
Comment: ACMG classification criteria: PVS1 very strong, PM2 moderated, PM3 supporting